The following is an entry in ClinVar:

NM_001128174.3(UGT8):c.811C>T (p.Pro271Ser)

Gene: UGT8 (UDP glycosyltransferase 8; plus strand). Cytogenetic location: 4q26.
Variant type: single nucleotide variant.
Coding change: c.811C>T on transcript NM_001128174.3 (MANE Select); coding-DNA position 811, C replaced by T.
Protein change: p.Pro271Ser; replaces proline 271 with serine.
Molecular consequence: missense variant.
Genome position (GRCh38, 1-based): chr4:114,623,691, C>T. VCF-style: chr4-114623691-C-T. GRCh37 (hg19) VCF-style: chr4-115544847-C-T.
Other names: c.811C>T, p.Pro271Ser (NM_001322112.2, NM_001322113.2, NM_001322114.2 and 1 more transcripts); short protein forms P271S.
Identifiers: ClinVar variation 392480 (VCV000392480.3), dbSNP rs199775914, ClinGen allele CA3053548.
Genomic context (GRCh38, chr4:114,623,691, plus strand): 5'-CCAAGACCCACTCTGCCTAATGTTGTTTATGTAGGAGGAATCCTAACCAAACCAGCCAGC[C>T]CACTACCAGAAGTAAGGTTTGCCGAATTCCTTGGTAATTCTTTTTTAATGTAAAAGTCAA-3'
Protein context (NP_001121646.2, residues 261-281): VGGILTKPAS[Pro271Ser]LPEDLQRWVN

ClinVar aggregate classification (germline): Uncertain significance (1 of 4 stars; one submission).

Allele frequency attached by ClinVar (database versions not stated): gnomAD 0.00007; 1000 Genomes Project 30x 0.00016; TOPMed 0.00002.
gnomAD v4.1: 16 of 1,589,274 alleles (0.001%); highest among the groups gnomAD compares: African/African-American, 0.02%; no homozygotes.

Submission:

GeneDx
Classification: Uncertain significance. Last evaluated: 2017-01-17. Review status: criteria provided, single submitter. Criteria: GeneDx Variant Classification (06012015). Collection method: clinical testing. Allele origin: germline. Affected: yes.
Comment: The P271S variant in the UGT8 gene has not been reported previously as a pathogenic variant, nor as a benign variant, to our knowledge. The P271S variant was not observed in approximately 6500 individuals of European and African American ancestry in the NHLBI Exome Sequencing Project, indicating it is not a common benign variant in these populations. The P271S variant is a non-conservative amino acid substitution, which is likely to impact secondary protein structure as these residues differ in polarity, charge, size and/or other properties. This substitution occurs at a position that is conserved across species. In silico analysis predicts this variant is probably damaging to the protein structure/function. We interpret P271S as a variant of uncertain significance.